The following is an entry in ClinVar:

NM_145059.3(FCSK):c.513del (p.Arg172fs)

Gene: FCSK (fucose kinase; plus strand). Cytogenetic location: 16q22.1.
Variant type: Deletion.
Coding change: c.513del on transcript NM_145059.3 (MANE Select); coding-DNA position 513, one base deleted (C; older notation c.513delC).
Protein change: p.Arg172fs; shifts the reading frame from arginine 172.
Molecular consequence: frameshift variant.
Genome position (GRCh38, 1-based): chr16:70,467,402, C deleted; the last of 2 consecutive C bases (chr16:70,467,401-70,467,402); deleting either gives the same sequence. VCF-style (leftmost placement, unchanged base first): chr16-70467400-GC-G. GRCh37 (hg19) VCF-style: chr16-70501303-GC-G.
Other names: short protein forms R172fs.
Identifiers: ClinVar variation 3705593 (VCV003705593.2).
Genomic context (GRCh38, chr16:70,467,400, plus strand): 5'-CCCCTGGGAGCCTCCTGACTGCCCCACCCCACAGGTATCAGCTGGGACAGCTTCCGGGGA[GC>G]CAGAGTGATCGCCCTCCCAGGGAGCCCGGCCTACGCTCAGAATCATGGCGTCTACCTAAC-3'

ClinVar aggregate classification (germline): Uncertain significance (1 of 4 stars; one submission).

Submission:

Labcorp Genetics (formerly Invitae), Labcorp
Classification: Uncertain significance. Last evaluated: 2026-01-12. Review status: criteria provided, single submitter. Criteria: Invitae Variant Classification Sherloc (09022015). Collection method: clinical testing. Allele origin: germline.
Comment: This sequence change creates a premature translational stop signal (p.Arg172Glufs*2) in the FUK gene. It is expected to result in an absent or disrupted protein product. However, the current clinical and genetic evidence is not sufficient to establish whether loss-of-function variants in FUK cause disease. This variant is present in population databases (no rsID available, gnomAD 0.02%). This variant has not been reported in the literature in individuals affected with FUK-related conditions. ClinVar contains an entry for this variant (Variation ID: 3705593). In summary, the available evidence is currently insufficient to determine the role of this variant in disease. Therefore, it has been classified as a Variant of Uncertain Significance.